The following is an entry in ClinVar:

NM_018670.4(MESP1):c.200C>G (p.Pro67Arg)

Genes: MESP1 (mesoderm posterior bHLH transcription factor 1; minus strand), LOC130057889 (ATAC-STARR-seq lymphoblastoid silent region 6804; plus strand). Cytogenetic location: 15q26.1.
Variant type: single nucleotide variant.
Coding change: c.200C>G on transcript NM_018670.4 (MANE Select); coding-DNA position 200, C replaced by G.
Protein change: p.Pro67Arg; replaces proline 67 with arginine.
Molecular consequence: missense variant.
Genome position (GRCh38, 1-based): chr15:89,751,032, G>C on the plus strand (C>G on the coding strand, the complement: MESP1 is on the minus strand). VCF-style: chr15-89751032-G-C. GRCh37 (hg19) VCF-style: chr15-90294263-G-C.
Other names: short protein forms P67R.
Identifiers: ClinVar variation 2385578 (VCV002385578.3), dbSNP rs765082101, ClinGen allele CA274596931.

ClinVar aggregate classification (germline): Uncertain significance. Review status: criteria provided, multiple submitters, no conflicts (2 of 4 stars). 2 submissions from 2 submitters: Uncertain significance (2). Last evaluated 2025-07-15.

Allele frequency attached by ClinVar (database versions not stated): gnomAD 0.00007.
gnomAD v4.1: 23 of 1,344,712 alleles (0.0017%); highest among the groups gnomAD compares: Admixed American, 0.074%; no homozygotes.

Submissions (2):

Labcorp Genetics (formerly Invitae), Labcorp
Classification: Uncertain significance. Last evaluated: 2025-07-15. Review status: criteria provided, single submitter. Criteria: Invitae Variant Classification Sherloc (09022015). Collection method: clinical testing. Allele origin: germline.
Comment: This sequence change replaces proline, which is neutral and non-polar, with arginine, which is basic and polar, at codon 67 of the MESP1 protein (p.Pro67Arg). This variant is not present in population databases (gnomAD no frequency). This variant has not been reported in the literature in individuals affected with MESP1-related conditions. ClinVar contains an entry for this variant (Variation ID: 2385578). An algorithm developed to predict the effect of missense changes on protein structure and function outputs the following: PolyPhen-2: "Benign". The arginine amino acid residue is found in multiple mammalian species, which suggests that this missense change does not adversely affect protein function. In summary, the available evidence is currently insufficient to determine the role of this variant in disease. Therefore, it has been classified as a Variant of Uncertain Significance.

Ambry Genetics
Classification: Uncertain significance. Last evaluated: 2021-08-30. Review status: criteria provided, single submitter. Criteria: Ambry Variant Classification Scheme 2023. Collection method: clinical testing. Allele origin: germline.